The following is an entry in ClinVar:

ClinVar aggregate classification (germline): Likely pathogenic (1 of 4 stars; one submission).

Submission:

Labcorp Genetics (formerly Invitae), Labcorp
Classification: Likely pathogenic. Last evaluated: 2024-05-09. Review status: criteria provided, single submitter. Criteria: Invitae Variant Classification Sherloc (09022015). Collection method: clinical testing. Allele origin: germline.
Comment: This variant results in the deletion of part of exon 7 (c.671-27_689del) of the HNF4A gene. It is expected to disrupt RNA splicing. Variants that disrupt the donor or acceptor splice site typically lead to a loss of protein function (PMID: 16199547), and loss-of-function variants in HNF4A are known to be pathogenic (PMID: 20164212, 23275527, 23348805, 24097065). This variant is not present in population databases (gnomAD no frequency). This variant has not been reported in the literature in individuals affected with HNF4A-related conditions. In summary, the currently available evidence indicates that the variant is pathogenic, but additional data are needed to prove that conclusively. Therefore, this variant has been classified as Likely Pathogenic.

Literature cited by the submitters: PubMed 16199547; PubMed 20164212; PubMed 23275527; PubMed 23348805; PubMed 24097065.

NM_175914.5(HNF4A):c.671-27_689del

Gene: HNF4A (hepatocyte nuclear factor 4 alpha; plus strand). Cytogenetic location: 20q13.12.
Variant type: Deletion.
Coding change: c.671-27_689del on transcript NM_175914.5 (MANE Select); 27 bases into the intron before coding-DNA position 671 through coding-DNA position 689, 46 bases deleted.
Molecular consequence: splice acceptor variant.
Genome position (GRCh38, 1-based): chr20:44,419,694-44,419,739, 46 bases deleted; deleting any 46 consecutive bases within chr20:44,419,690-44,419,739 gives the same sequence; the c. name uses the placement nearest the transcript's 3' end. GRCh37 (hg19): chr20:43,048,334-43,048,379.
Other names: c.662-27_680del (NM_001287182.2, NM_001287183.2, NM_001287184.2); c.671-27_689del (NM_001030003.3, NM_001030004.3); c.716-27_734del (NM_001258355.2); c.737-27_755del (NM_178849.3, NM_000457.6, NM_178850.3).
Identifiers: ClinVar variation 3652770 (VCV003652770.2).